The following is an entry in ClinVar:

ClinVar aggregate classification (germline): Uncertain significance (1 of 4 stars; one submission).

Conditions:
Long QT syndrome (LQTS). Identifiers: MedGen C0023976, MeSH D008133, MONDO:0002442. Disease mechanism: loss of function. Inheritance: Various modes of inheritance.

Submission:

Labcorp Genetics (formerly Invitae), Labcorp
Classification: Uncertain significance for Long QT syndrome. Last evaluated: 2025-05-01. Review status: criteria provided, single submitter. Criteria: Invitae Variant Classification Sherloc (09022015). Collection method: clinical testing. Allele origin: germline.
Comment: This sequence change replaces isoleucine, which is neutral and non-polar, with phenylalanine, which is neutral and non-polar, at codon 103 of the ANK2 protein (p.Ile103Phe). This variant is not present in population databases (gnomAD no frequency). This variant has not been reported in the literature in individuals affected with ANK2-related conditions. Invitae Evidence Modeling of protein sequence and biophysical properties (such as structural, functional, and spatial information, amino acid conservation, physicochemical variation, residue mobility, and thermodynamic stability) indicates that this missense variant is expected to disrupt ANK2 protein function with a positive predictive value of 80%. In summary, the available evidence is currently insufficient to determine the role of this variant in disease. Therefore, it has been classified as a Variant of Uncertain Significance.

NM_001148.6(ANK2):c.307A>T (p.Ile103Phe)

Gene: ANK2 (ankyrin 2; plus strand). Cytogenetic location: 4q25.
Variant type: single nucleotide variant.
Coding change: c.307A>T on transcript NM_001148.6 (MANE Select); coding-DNA position 307, A replaced by T.
Protein change: p.Ile103Phe; replaces isoleucine 103 with phenylalanine.
Molecular consequence: missense variant.
Genome position (GRCh38, 1-based): chr4:113,199,032, A>T. VCF-style: chr4-113199032-A-T. GRCh37 (hg19) VCF-style: chr4-114120188-A-T.
Other names: c.244A>T, p.Ile82Phe (NM_001127493.3, NM_001354239.2, NM_001354243.2 and 33 more transcripts); c.307A>T, p.Ile103Phe (NM_001354225.2, NM_001354228.2, NM_001354232.2 and 9 more transcripts); c.352A>T, p.Ile118Phe (NM_001354230.2, NM_001354231.2, NM_001354237.2 and 5 more transcripts); c.289A>T, p.Ile97Phe (NM_001354261.2, NM_001386147.1, NM_001386160.1); c.295A>T, p.Ile99Phe (NM_001354269.3, NM_001386148.2, NM_001386186.2 and 1 more transcripts); c.358A>T, p.Ile120Phe (NM_001386174.1, NM_001386175.1); short protein forms I103F, I118F, I82F, I120F, I97F, I99F.
Identifiers: ClinVar variation 4744571 (VCV004744571.1).